The following is an entry in ClinVar:

ClinVar aggregate classification (germline): Uncertain significance (1 of 4 stars; one submission).

Conditions:
FGFR3-related chondrodysplasia. Identifiers: Orphanet 93420, MedGen C5681604, MONDO:0019685.

Submission:

Genomenon, Inc
Classification: Uncertain significance for FGFR3-related chondrodysplasia. Last evaluated: 2026-06-23. Review status: criteria provided, single submitter. Criteria: Genomenon Sequence Variant Interpretation Standards - Updated. Collection method: curation. Allele origin: germline. Affected: no.
Comment: FGFR3 p.Glu627Asp (c.1881G>T) is a missense variant that changes the amino acid at codon 627 from Glutamic acid to Aspartic acid. To our knowledge, this variant has not been reported in patients affected with an FGFR3-related disorder in the published literature. Functional studies have been reported (PMID:26992226). It is absent or not present at a significant frequency in gnomAD. In silico models predict that this variant is not damaging. In conclusion, we classify FGFR3 p.Glu627Asp (c.1881G>T) as a variant of uncertain significance.

Literature cited by the submitters: PubMed 26992226.

NM_000142.5(FGFR3):c.1881G>T (p.Glu627Asp)

Gene: FGFR3 (fibroblast growth factor receptor 3; plus strand). Cytogenetic location: 4p16.3.
Variant type: single nucleotide variant.
Coding change: c.1881G>T on transcript NM_000142.5 (MANE Select); coding-DNA position 1881, G replaced by T.
Protein change: p.Glu627Asp; replaces glutamic acid 627 with aspartic acid.
Molecular consequence: missense variant. On other transcripts: non-coding transcript variant (1).
Genome position (GRCh38, 1-based): chr4:1,806,095, G>T. VCF-style: chr4-1806095-G-T. GRCh37 (hg19) VCF-style: chr4-1807822-G-T.
Other names: c.1887G>T, p.Glu629Asp (NM_001163213.2); c.1884G>T, p.Glu628Asp (NM_001354809.2, NM_001354810.2); c.1545G>T, p.Glu515Asp (NM_022965.4); short protein forms E515D, E627D, E628D, E629D.
Identifiers: ClinVar variation 4857814 (VCV004857814.1).